The following is an entry in ClinVar:

ClinVar aggregate classification (germline): Conflicting classifications of pathogenicity. Review status: criteria provided, conflicting classifications (1 of 4 stars). 2 submissions from 2 submitters: Uncertain significance (1); Likely benign (1). Last evaluated 2025-12-07.

Conditions:
PKHD1-related disorder. Also called: PKHD1-related condition.
Autosomal recessive polycystic kidney disease (ARPKD). Also called: AR polycystic kidney disease. Identifiers: Orphanet 731, Orphanet 8378, MedGen C0085548, MeSH D017044, MONDO:0009889.

Allele frequency attached by ClinVar (database versions not stated): gnomAD 0.00001 and 0.00002; TOPMed 0.00002; gnomAD exomes 0.00006; ExAC 0.00009.
gnomAD v4.1: 44 of 1,613,898 alleles (0.0027%); highest among the groups gnomAD compares: South Asian, 0.032%; no homozygotes.

Submissions (2):

Labcorp Genetics (formerly Invitae), Labcorp
Classification: Likely benign for Autosomal recessive polycystic kidney disease. Last evaluated: 2025-12-07. Review status: criteria provided, single submitter. Criteria: Invitae Variant Classification Sherloc (09022015). Collection method: clinical testing. Allele origin: germline.

PreventionGenetics, part of Exact Sciences
Classification: Uncertain significance for PKHD1-related condition. Last evaluated: 2025-12-05. Review status: criteria provided, single submitter. Criteria: ACMG Guidelines, 2015. Collection method: clinical testing. Allele origin: germline.
Comment: The PKHD1 c.9320G>A variant is predicted to result in the amino acid substitution p.Arg3107Gln. To our knowledge, this variant has not been reported in the literature. This variant is reported in 0.049% of alleles in individuals of South Asian descent in gnomAD. At this time, the clinical significance of this variant is uncertain due to the absence of conclusive functional and genetic evidence.

NM_138694.4(PKHD1):c.9320G>A (p.Arg3107Gln)

Gene: PKHD1 (PKHD1 ciliary IPT domain containing fibrocystin/polyductin; minus strand). Cytogenetic location: 6p12.3.
Variant type: single nucleotide variant.
Coding change: c.9320G>A on transcript NM_138694.4 (MANE Select); coding-DNA position 9320, G replaced by A.
Protein change: p.Arg3107Gln; replaces arginine 3107 with glutamine.
Molecular consequence: missense variant.
Genome position (GRCh38, 1-based): chr6:51,748,296, C>T on the plus strand (G>A on the coding strand, the complement: PKHD1 is on the minus strand). VCF-style: chr6-51748296-C-T. GRCh37 (hg19) VCF-style: chr6-51613094-C-T.
Other names: c.9320G>A, p.Arg3107Gln (NM_170724.3); c.9320G>A (NM_138694.3); short protein forms R3107Q.
Identifiers: ClinVar variation 1158046 (VCV001158046.10), dbSNP rs751750213, ClinGen allele CA3851408.